The following is an entry in ClinVar:

ClinVar aggregate classification (germline): Uncertain significance (1 of 4 stars; one submission).

Allele frequency attached by ClinVar (database versions not stated): gnomAD exomes 0.00001; gnomAD 0.00002; TOPMed 0.00004; ExAC 0.00005.
gnomAD v4.1: 20 of 1,612,554 alleles (0.0012%); highest among the groups gnomAD compares: Middle Eastern, 0.016%; no homozygotes.

Submission:

Labcorp Genetics (formerly Invitae), Labcorp
Classification: Uncertain significance. Last evaluated: 2025-02-11. Review status: criteria provided, single submitter. Criteria: Invitae Variant Classification Sherloc (09022015). Collection method: clinical testing. Allele origin: germline.
Comment: This sequence change replaces arginine, which is basic and polar, with cysteine, which is neutral and slightly polar, at codon 141 of the PITRM1 protein (p.Arg141Cys). This variant is present in population databases (rs770738350, gnomAD 0.004%). This variant has not been reported in the literature in individuals affected with PITRM1-related conditions. ClinVar contains an entry for this variant (Variation ID: 2187870). An algorithm developed to predict the effect of missense changes on protein structure and function (PolyPhen-2) suggests that this variant is likely to be disruptive. Algorithms developed to predict the effect of sequence changes on RNA splicing suggest that this variant may disrupt the consensus splice site. In summary, the available evidence is currently insufficient to determine the role of this variant in disease. Therefore, it has been classified as a Variant of Uncertain Significance.

NM_014889.4(PITRM1):c.517C>T (p.Arg173Cys)

Gene: PITRM1 (pitrilysin metallopeptidase 1; minus strand). Cytogenetic location: 10p15.2.
Variant type: single nucleotide variant.
Coding change: c.517C>T on transcript NM_014889.4 (MANE Select); coding-DNA position 517, C replaced by T.
Protein change: p.Arg173Cys; replaces arginine 173 with cysteine.
Molecular consequence: missense variant. On other transcripts: 5 prime UTR variant (3), non-coding transcript variant (4).
Genome position (GRCh38, 1-based): chr10:3,165,429, G>A on the plus strand (C>T on the coding strand, the complement: PITRM1 is on the minus strand). VCF-style: chr10-3165429-G-A. GRCh37 (hg19) VCF-style: chr10-3207621-G-A.
Other names: c.517C>T, p.Arg173Cys (NM_001242307.2, NM_001347725.2); c.421C>T, p.Arg141Cys (NM_001242309.1); c.-99C>T (NM_001347726.2, NM_001347727.2); c.-784C>T (NM_001347728.2); c.493C>T, p.Arg165Cys (NM_001347729.1, NM_001347730.1); short protein forms R141C, R165C, R173C.
Identifiers: ClinVar variation 2187870 (VCV002187870.4), dbSNP rs770738350, ClinGen allele CA5388186.
Genomic context (GRCh38, chr10:3,165,429, plus strand): 5'-AAATACTAAAGTCTGTATCAACTAGTTAATCATTCATGACATACCAGAAATCCAGCTCGC[G>A]TAAACATGGGAAAAAGGTGGCATCCAAATACACCGAGAGGAGATTCTGAAAGTCCTTGGG-3'
Protein context (NP_055704.2, residues 163-183): YLDATFFPCL[Arg173Cys]ELDFWQEGWR